The following is an entry in ClinVar:

ClinVar aggregate classification (germline): Conflicting classifications of pathogenicity. Review status: criteria provided, conflicting classifications (1 of 4 stars). 9 submissions from 9 submitters: Uncertain significance (6); Likely benign (2). 1 of the submissions does not count toward it. Last evaluated 2026-09-01.

Conditions:
Von Hippel-Lindau syndrome (VHLS). Also called: VHL syndrome; von Hippel–Lindau syndrome; Von Hippel-Lindau. Identifiers: Orphanet 892, MedGen C0019562, MONDO:0008667, OMIM 193300. Disease mechanism: loss of function.
Chuvash polycythemia. Also called: POLYCYTHEMIA, VHL-DEPENDENT. Identifiers: Orphanet 238557, MedGen C1837915, MONDO:0009892, OMIM 263400.
Hereditary cancer-predisposing syndrome. Also called: Hereditary neoplastic syndrome; Hereditary Cancer Syndrome; Neoplastic Syndromes, Hereditary; Tumor predisposition. Identifiers: Orphanet 140162, MedGen C0027672, MeSH D009386, MONDO:0015356.
Nonpapillary renal cell carcinoma. Identifiers: Orphanet 422526, MedGen CN074294, MONDO:0007763, OMIM 144700.
Pheochromocytoma. Also called: MAX-Related Hereditary Paraganglioma-Pheochromocytoma Syndrome. Identifiers: Orphanet 29072, MedGen C0031511, MONDO:0008233, OMIM 171300, HP:0002666.

Allele frequency attached by ClinVar (database versions not stated): gnomAD 0.00001 and 0.00005; TOPMed 0.00001.

Submissions (9):

CeGaT Center for Human Genetics Tuebingen
Classification: Uncertain significance. Last evaluated: 2026-09-01. Review status: criteria provided, single submitter. Criteria: CeGaT Center For Human Genetics Tuebingen Variant Classification Criteria Version 2. Collection method: clinical testing. Allele origin: germline. Affected: yes. Observed: 1 variant allele.
Comment: VHL: PM2, PP3

Labcorp Genetics (formerly Invitae), Labcorp
Classification: Uncertain significance for Von Hippel-Lindau syndrome; Chuvash polycythemia. Last evaluated: 2026-01-21. Review status: criteria provided, single submitter. Criteria: Invitae Variant Classification Sherloc (09022015). Collection method: clinical testing. Allele origin: germline.
Comment: This sequence change replaces arginine, which is basic and polar, with tryptophan, which is neutral and slightly polar, at codon 58 of the VHL protein (p.Arg58Trp). This variant is present in population databases (rs757781272, gnomAD 0.05%). This variant has not been reported in the literature in individuals affected with VHL-related conditions. ClinVar contains an entry for this variant (Variation ID: 238102). Invitae Evidence Modeling of protein sequence and biophysical properties (such as structural, functional, and spatial information, amino acid conservation, physicochemical variation, residue mobility, and thermodynamic stability) indicates that this missense variant is expected to disrupt VHL protein function with a positive predictive value of 80%. In summary, the available evidence is currently insufficient to determine the role of this variant in disease. Therefore, it has been classified as a Variant of Uncertain Significance.

Myriad Genetics, Inc.
Classification: Likely benign for Von Hippel-Lindau syndrome. Last evaluated: 2024-08-09. Review status: criteria provided, single submitter. Criteria: Myriad Autosomal Dominant, Autosomal Recessive and X-Linked Classification Criteria (2023). Collection method: clinical testing. Allele origin: unknown.
Comment: This variant is considered likely benign. This variant has been observed at a population frequency that is significantly greater than expected given the associated disease prevalence and penetrance.

Laboratory of Molecular and Cytogenetics, Department of Anatomy, All India Institute of Medical Sciences (AIIMS)
Classification: Uncertain significance for Von Hippel-Lindau syndrome. Last evaluated: 2023-06-10. Review status: criteria provided, single submitter. Criteria: ACMG Guidelines, 2015. Collection method: clinical testing. Allele origin: germline. Affected: yes. Observed: 1 variant allele.

GeneDx
Classification: Uncertain significance. Last evaluated: 2023-03-07. Review status: criteria provided, single submitter. Criteria: GeneDx Variant Classification Process June 2021. Collection method: clinical testing. Allele origin: germline. Affected: yes.
Comment: In silico analysis supports that this missense variant does not alter protein structure/function; Has not been previously published as pathogenic or benign to our knowledge; This variant is associated with the following publications: (PMID: 24969085)

Sema4
Classification: Uncertain significance for Hereditary cancer-predisposing syndrome. Last evaluated: 2022-03-18. Review status: criteria provided, single submitter. Criteria: Sema4 Curation Guidelines. Collection method: curation. Allele origin: germline.
Comment: The VHL c.172C>T (p.R58W) variant has not been reported in individuals with a VHL-related disease. This variant was observed in 14/27248 chromosomes in the South Asian population, with no homozygotes, according to the Genome Aggregation Database (PMID: 32461654). This variant has been reported in ClinVar (Variation ID: 238102). Functional studies have not been performed, and in silico predictions of the variant's effect on protein function are inconclusive. The evidence is insufficient to meet ACMG/AMP criteria for classifying the variant as benign or pathogenic. Thus, the clinical significance of this variant is currently uncertain.

Fulgent Genetics
Classification: Uncertain significance for Nonpapillary renal cell carcinoma; Pheochromocytoma; Von Hippel-Lindau syndrome; Chuvash polycythemia. Last evaluated: 2022-03-16. Review status: criteria provided, single submitter. Criteria: ACMG Guidelines, 2015. Collection method: clinical testing. Allele origin: unknown.

Ambry Genetics
Classification: Likely benign for Hereditary cancer-predisposing syndrome. Last evaluated: 2021-08-09. Review status: criteria provided, single submitter. Criteria: Ambry Variant Classification Scheme 2023. Collection method: clinical testing. Allele origin: germline.

Counsyl
Classification: Uncertain significance for Von Hippel-Lindau syndrome. Last evaluated: 2018-05-18. Review status: no assertion criteria provided. Collection method: clinical testing. Allele origin: unknown. Not counted in ClinVar's aggregate classification.

NM_000551.4(VHL):c.172C>T (p.Arg58Trp)

Gene: VHL (von Hippel-Lindau tumor suppressor; plus strand). Cytogenetic location: 3p25.3.
Variant type: single nucleotide variant.
Coding change: c.172C>T on transcript NM_000551.4 (MANE Select); coding-DNA position 172, C replaced by T.
Protein change: p.Arg58Trp; replaces arginine 58 with tryptophan.
Molecular consequence: missense variant.
Genome position (GRCh38, 1-based): chr3:10,142,019, C>T. VCF-style: chr3-10142019-C-T. GRCh37 (hg19) VCF-style: chr3-10183703-C-T.
Other names: c.172C>T, p.Arg58Trp (NM_001354723.2, NM_198156.3); short protein forms R58W.
Identifiers: ClinVar variation 238102 (VCV000238102.19), dbSNP rs757781272, ClinGen allele CA039640.